The following is an entry in ClinVar:

NM_144997.7(FLCN):c.721C>T (p.Leu241=)

Gene: FLCN (folliculin; minus strand). Cytogenetic location: 17p11.2.
Variant type: single nucleotide variant.
Coding change: c.721C>T on transcript NM_144997.7 (MANE Select); coding-DNA position 721, C replaced by T.
Protein change: p.Leu241=; no amino-acid change (leucine 241 retained).
Molecular consequence: synonymous variant.
Genome position (GRCh38, 1-based): chr17:17,222,559, G>A on the plus strand (C>T on the coding strand, the complement: FLCN is on the minus strand). VCF-style: chr17-17222559-G-A. GRCh37 (hg19) VCF-style: chr17-17125873-G-A.
Other names: c.775C>T, p.Leu259= (NM_001353229.2); c.721C>T, p.Leu241= (NM_001353230.2, NM_001353231.2, NM_144606.7).
Identifiers: ClinVar variation 3773013 (VCV003773013.1).
Genomic context (GRCh38, chr17:17,222,559, plus strand): 5'-ACCAGGCAAAGGAGGTGTGCAGGCACGCCCACAGGTTGTCATCACTTGTCAGCGATGTCA[G>A]CGAGCGGGCGGCGTTGCCGTTCCTCTGGTGTAGGAATGGCGTGAAGGCTGTGTTCATCCT-3'
Protein context (NP_659434.2, residues 231-251): HQRNGNAARS[Leu241=]TSLTSDDNLW

ClinVar aggregate classification (germline): Benign (1 of 4 stars; one submission).

Conditions:
Birt-Hogg-Dube syndrome 1 (BHD1). Also called: FIBROFOLLICULOMAS WITH TRICHODISCOMAS AND ACROCHORDONS. Identifiers: Orphanet 122, MedGen CN375946, MONDO:0800445, OMIM 135150.

Submission:

Myriad Genetics, Inc.
Classification: Benign for Birt-Hogg-Dube syndrome 1. Last evaluated: 2024-10-23. Review status: criteria provided, single submitter. Criteria: Myriad Autosomal Dominant, Autosomal Recessive and X-Linked Classification Criteria (2023). Collection method: clinical testing. Allele origin: unknown.
Comment: This variant is considered benign. This variant is a silent/synonymous amino acid change and it is not expected to impact splicing.